The following is an entry in ClinVar:

NM_000186.4(CFH):c.2603T>G (p.Ile868Ser)

Gene: CFH (complement factor H; plus strand). Cytogenetic location: 1q31.3.
Variant type: single nucleotide variant.
Coding change: c.2603T>G on transcript NM_000186.4 (MANE Select); coding-DNA position 2603, T replaced by G.
Protein change: p.Ile868Ser; replaces isoleucine 868 with serine.
Molecular consequence: missense variant.
Genome position (GRCh38, 1-based): chr1:196,737,481, T>G. VCF-style: chr1-196737481-T-G. GRCh37 (hg19) VCF-style: chr1-196706611-T-G.
Other names: short protein forms I868S.
Identifiers: ClinVar variation 2980696 (VCV002980696.4), dbSNP rs547338983, ClinGen allele CA35868119.

ClinVar aggregate classification (germline): Uncertain significance. Review status: criteria provided, multiple submitters, no conflicts (2 of 4 stars). 2 submissions from 2 submitters: Uncertain significance (2). Last evaluated 2025-05-19.

Conditions:
Inborn genetic diseases. Identifiers: MedGen C0950123, MeSH D030342.

gnomAD v4.1: 5 of 1,610,960 alleles (0.00031%); highest among the groups gnomAD compares: African/African-American, 0.0053%; no homozygotes.

Submissions (2):

Ambry Genetics
Classification: Uncertain significance for Inborn genetic diseases. Last evaluated: 2025-05-19. Review status: criteria provided, single submitter. Criteria: Ambry Variant Classification Scheme 2023. Collection method: clinical testing. Allele origin: germline.

Labcorp Genetics (formerly Invitae), Labcorp
Classification: Uncertain significance. Last evaluated: 2023-11-15. Review status: criteria provided, single submitter. Criteria: Invitae Variant Classification Sherloc (09022015). Collection method: clinical testing. Allele origin: germline.
Comment: This sequence change replaces isoleucine, which is neutral and non-polar, with serine, which is neutral and polar, at codon 868 of the CFH protein (p.Ile868Ser). This variant is present in population databases (no rsID available, gnomAD 0.01%). This variant has not been reported in the literature in individuals affected with CFH-related conditions. Algorithms developed to predict the effect of missense changes on protein structure and function output the following: SIFT: "Not Available"; PolyPhen-2: "Benign"; Align-GVGD: "Not Available". The serine amino acid residue is found in multiple mammalian species, which suggests that this missense change does not adversely affect protein function. In summary, the available evidence is currently insufficient to determine the role of this variant in disease. Therefore, it has been classified as a Variant of Uncertain Significance.